The following is an entry in ClinVar:

ClinVar aggregate classification (germline): Uncertain significance. Review status: criteria provided, multiple submitters, no conflicts (2 of 4 stars). 2 submissions from 2 submitters: Uncertain significance (2). Last evaluated 2025-02-20.

Conditions:
Hereditary cancer-predisposing syndrome. Also called: Neoplastic Syndromes, Hereditary; Tumor predisposition; Hereditary Cancer Syndrome; Hereditary neoplastic syndrome. Identifiers: Orphanet 140162, MedGen C0027672, MeSH D009386, MONDO:0015356.
Tuberous sclerosis 2 (TSC2). Identifiers: Orphanet 805, MedGen C1860707, MONDO:0013199, OMIM 613254.

Submissions (2):

Labcorp Genetics (formerly Invitae), Labcorp
Classification: Uncertain significance for Tuberous sclerosis 2. Last evaluated: 2025-02-20. Review status: criteria provided, single submitter. Criteria: Invitae Variant Classification Sherloc (09022015). Collection method: clinical testing. Allele origin: germline.
Comment: This sequence change replaces threonine, which is neutral and polar, with isoleucine, which is neutral and non-polar, at codon 1271 of the TSC2 protein (p.Thr1271Ile). This variant is not present in population databases (gnomAD no frequency). This variant has not been reported in the literature in individuals affected with TSC2-related conditions. ClinVar contains an entry for this variant (Variation ID: 567402). An algorithm developed to predict the effect of missense changes on protein structure and function (PolyPhen-2) suggests that this variant is likely to be disruptive. In summary, the available evidence is currently insufficient to determine the role of this variant in disease. Therefore, it has been classified as a Variant of Uncertain Significance.

Ambry Genetics
Classification: Uncertain significance for Hereditary cancer-predisposing syndrome. Last evaluated: 2023-10-22. Review status: criteria provided, single submitter. Criteria: Ambry Variant Classification Scheme 2023. Collection method: clinical testing. Allele origin: germline.
Comment: The p.T1271I variant (also known as c.3812C>T), located in coding exon 30 of the TSC2 gene, results from a C to T substitution at nucleotide position 3812. The threonine at codon 1271 is replaced by isoleucine, an amino acid with similar properties. This amino acid position is conserved. In addition, this alteration is predicted to be deleterious by in silico analysis. Since supporting evidence is limited at this time, the clinical significance of this alteration remains unclear.

NM_000548.5(TSC2):c.3812C>T (p.Thr1271Ile)

Gene: TSC2 (TSC complex subunit 2; plus strand). Cytogenetic location: 16p13.3.
Variant type: single nucleotide variant.
Coding change: c.3812C>T on transcript NM_000548.5 (MANE Select); coding-DNA position 3812, C replaced by T.
Protein change: p.Thr1271Ile; replaces threonine 1271 with isoleucine.
Molecular consequence: missense variant.
Genome position (GRCh38, 1-based): chr16:2,081,796, C>T. VCF-style: chr16-2081796-C-T. GRCh37 (hg19) VCF-style: chr16-2131797-C-T.
Other names: c.3680C>T, p.Thr1227Ile (NM_001077183.3, NM_001370404.1); c.3812C>T, p.Thr1271Ile (NM_001114382.3); c.3572C>T, p.Thr1191Ile (NM_001318827.2); c.3536C>T, p.Thr1179Ile (NM_001318829.2); c.3080C>T, p.Thr1027Ile (NM_001318831.2); c.3713C>T, p.Thr1238Ile (NM_001318832.2); c.3683C>T, p.Thr1228Ile (NM_001363528.2, NM_001370405.1, NM_021055.3); short protein forms T1271I, T1227I, T1027I, T1179I, T1191I, T1228I, T1238I.
Identifiers: ClinVar variation 567402 (VCV000567402.9), dbSNP rs1567511623, ClinGen allele CA394293662.
Genomic context (GRCh38, chr16:2,081,796, plus strand): 5'-AGTCACTGTCGGTGCCGGCAGCCAGCACGGCCAAACCCCCTCCTCTGCCTCGCTCCAACA[C>T]AGGTGAGTGGCATGGCGGGCCTTGGCACGGGCTCTGCTCCCACTGGCCTGGTGCTCCCGG-3'
Protein context (NP_000539.2, residues 1261-1281): AKPPPLPRSN[Thr1271Ile]VASFSSLYQS